The following is an entry in ClinVar:

ClinVar aggregate classification (germline): Likely benign. Review status: criteria provided, multiple submitters, no conflicts (2 of 4 stars). 4 submissions from 4 submitters: Likely benign (4). Last evaluated 2026-05-11.

Conditions:
Familial thoracic aortic aneurysm and aortic dissection (TAAD). Also called: Thoracic aortic aneurysms and dissections. Identifiers: Orphanet 91387, MedGen C4707243, MONDO:0019625.
Marfan syndrome (MFS). Also called: MARFAN SYNDROME, TYPE I; Marfan syndrome type 1; Marfan's syndrome; Marfan syndrome, classic; FBN1-Related Marfan Syndrome. Identifiers: Orphanet 284963, Orphanet 558, MedGen C0024796, MONDO:0007947, OMIM 154700.

Allele frequency attached by ClinVar (database versions not stated): gnomAD exomes below 0.00001; gnomAD 0.00001; TOPMed 0.00001.

Submissions (4):

Women's Health and Genetics/Laboratory Corporation of America, LabCorp
Classification: Likely benign. Last evaluated: 2026-05-11. Review status: criteria provided, single submitter. Criteria: LabCorp Variant Classification Summary - May 2015. Collection method: clinical testing. Allele origin: germline.

Ambry Genetics
Classification: Likely benign for Familial thoracic aortic aneurysm and aortic dissection. Last evaluated: 2025-02-04. Review status: criteria provided, single submitter. Criteria: Ambry Variant Classification Scheme 2023. Collection method: clinical testing. Allele origin: germline.

Labcorp Genetics (formerly Invitae), Labcorp
Classification: Likely benign for Marfan syndrome; Familial thoracic aortic aneurysm and aortic dissection. Last evaluated: 2024-05-06. Review status: criteria provided, single submitter. Criteria: Invitae Variant Classification Sherloc (09022015). Collection method: clinical testing. Allele origin: germline.

All of Us Research Program, National Institutes of Health
Classification: Likely benign for Marfan syndrome. Last evaluated: 2023-12-13. Review status: criteria provided, single submitter. Criteria: ACMG Guidelines, 2015. Collection method: clinical testing. Allele origin: germline. Inheritance: Autosomal dominant inheritance. Observed: 1 variant allele, 1 heterozygote.
Comment: This study involves interpretation of variants in research participants for the purpose of population health screening. Participant phenotype was not available at the time of variant classification. Additional details can be found in publication PMID: 35346344, PMCID: PMC8962531

NM_000138.5(FBN1):c.6144C>T (p.Ser2048=)

Gene: FBN1 (fibrillin 1; minus strand). Cytogenetic location: 15q21.1.
Variant type: single nucleotide variant.
Coding change: c.6144C>T on transcript NM_000138.5 (MANE Select); coding-DNA position 6144, C replaced by T.
Protein change: p.Ser2048=; no amino-acid change (serine 2048 retained).
Molecular consequence: synonymous variant.
Genome position (GRCh38, 1-based): chr15:48,441,740, G>A on the plus strand (C>T on the coding strand, the complement: FBN1 is on the minus strand). VCF-style: chr15-48441740-G-A. GRCh37 (hg19) VCF-style: chr15-48733937-G-A.
Other names: c.6144C>T, p.Ser2048= (NM_001406716.1).
Identifiers: ClinVar variation 2139996 (VCV002139996.7), dbSNP rs1420515490, ClinGen allele CA490021360.